The following is an entry in ClinVar:

ClinVar aggregate classification (germline): Uncertain significance (1 of 4 stars; one submission).

Conditions:
Kabuki syndrome. Also called: NIIKAWA-KUROKI SYNDROME; Kabuki make-up syndrome. Identifiers: Orphanet 2322, MedGen C0796004, MONDO:0016512.

gnomAD v4.1: 2 of 1,585,272 alleles (0.00013%); highest among the groups gnomAD compares: Non-Finnish European, 0.00017%; no homozygotes.

Submission:

Labcorp Genetics (formerly Invitae), Labcorp
Classification: Uncertain significance for Kabuki syndrome. Last evaluated: 2024-11-28. Review status: criteria provided, single submitter. Criteria: Invitae Variant Classification Sherloc (09022015). Collection method: clinical testing. Allele origin: germline.
Comment: This sequence change replaces proline, which is neutral and non-polar, with serine, which is neutral and polar, at codon 4300 of the KMT2D protein (p.Pro4300Ser). This variant is not present in population databases (gnomAD no frequency). This variant has not been reported in the literature in individuals affected with KMT2D-related conditions. Invitae Evidence Modeling of protein sequence and biophysical properties (such as structural, functional, and spatial information, amino acid conservation, physicochemical variation, residue mobility, and thermodynamic stability) indicates that this missense variant is not expected to disrupt KMT2D protein function with a negative predictive value of 95%. In summary, the available evidence is currently insufficient to determine the role of this variant in disease. Therefore, it has been classified as a Variant of Uncertain Significance.

NM_003482.4(KMT2D):c.12898C>T (p.Pro4300Ser)

Gene: KMT2D (lysine methyltransferase 2D; minus strand). Cytogenetic location: 12q13.12.
Variant type: single nucleotide variant.
Coding change: c.12898C>T on transcript NM_003482.4 (MANE Select); coding-DNA position 12898, C replaced by T.
Protein change: p.Pro4300Ser; replaces proline 4300 with serine.
Molecular consequence: missense variant.
Genome position (GRCh38, 1-based): chr12:49,031,807, G>A on the plus strand (C>T on the coding strand, the complement: KMT2D is on the minus strand). VCF-style: chr12-49031807-G-A. GRCh37 (hg19) VCF-style: chr12-49425590-G-A.
Other names: short protein forms P4300S.
Identifiers: ClinVar variation 3618475 (VCV003618475.2).
Genomic context (GRCh38, chr12:49,031,807, plus strand): 5'-GTCTCTTTGGCTCTTGAGGGCTGGATGGTGGAGGTGTGGGATGGACAGGGCCAAGGACTG[G>A]TCCTGTAGATAAGGCTCCTGGTGGGGCAGGGAGCCGGGGTGGGCCCTGAGGTCGAGGCCC-3'
Protein context (NP_003473.3, residues 4290-4310): PAPPGALSTG[Pro4300Ser]VLGPVHPTPP